The following is an entry in ClinVar:

ClinVar aggregate classification (germline): Likely benign. Review status: criteria provided, multiple submitters, no conflicts (2 of 4 stars). 2 submissions from 2 submitters: Likely benign (2). Last evaluated 2025-12-08.

Conditions:
CREBBP-related disorder. Also called: CREBBP-related disorders; CREBBP-related condition.
Rubinstein-Taybi syndrome (RSTS). Identifiers: Orphanet 783, MedGen C0035934, MONDO:0019188.

Allele frequency attached by ClinVar (database versions not stated): gnomAD exomes below 0.00001; TOPMed below 0.00001.
gnomAD v4.1: 1 of 1,613,954 alleles (0.000062%); highest among the groups gnomAD compares: African/African-American, 0.0013%; no homozygotes.

Submissions (2):

Labcorp Genetics (formerly Invitae), Labcorp
Classification: Likely benign for Rubinstein-Taybi syndrome. Last evaluated: 2025-12-08. Review status: criteria provided, single submitter. Criteria: Invitae Variant Classification Sherloc (09022015). Collection method: clinical testing. Allele origin: germline.

PreventionGenetics, part of Exact Sciences
Classification: Likely benign for CREBBP-related condition. Last evaluated: 2025-07-22. Review status: criteria provided, single submitter. Criteria: ACMG Guidelines, 2015. Collection method: clinical testing. Allele origin: germline.
Comment: This variant is classified as likely benign based on ACMG/AMP sequence variant interpretation guidelines (Richards et al. 2015 PMID: 25741868, with internal and published modifications).

NM_004380.3(CREBBP):c.3477C>A (p.Leu1159=)

Gene: CREBBP (CREB binding lysine acetyltransferase; minus strand). Cytogenetic location: 16p13.3.
Variant type: single nucleotide variant.
Coding change: c.3477C>A on transcript NM_004380.3 (MANE Select); coding-DNA position 3477, C replaced by A.
Protein change: p.Leu1159=; no amino-acid change (leucine 1159 retained).
Molecular consequence: synonymous variant.
Genome position (GRCh38, 1-based): chr16:3,757,941, G>T on the plus strand (C>A on the coding strand, the complement: CREBBP is on the minus strand). VCF-style: chr16-3757941-G-T. GRCh37 (hg19) VCF-style: chr16-3807942-G-T.
Other names: c.3363C>A, p.Leu1121= (NM_001079846.1).
Identifiers: ClinVar variation 759888 (VCV000759888.5), dbSNP rs1352497990, ClinGen allele CA493394535.